The following is an entry in ClinVar:

ClinVar aggregate classification (germline): Pathogenic/Likely pathogenic. Review status: criteria provided, multiple submitters, no conflicts (2 of 4 stars). 4 submissions from 4 submitters: Pathogenic (2); Likely pathogenic (2). Last evaluated 2026-04-27.

Conditions:
Inherited obesity. Also called: Monogenic Obesity. Identifiers: Orphanet 77828, MedGen C4054476, MONDO:0019182, OMIM 601665.
Obesity due to melanocortin 4 receptor deficiency. Identifiers: Orphanet 71529, MedGen C4273958, MONDO:0019115.
MC4R-related disorder. Also called: MC4R-related condition.

Submissions (4):

Institute of Human Genetics, University of Leipzig Medical Center
Classification: Likely pathogenic for Inherited obesity. Last evaluated: 2026-04-27. Review status: criteria provided, single submitter. Criteria: ACMG Guidelines, 2015. Collection method: clinical testing. Allele origin: unknown. Inheritance: Autosomal dominant inheritance. Affected: yes.
Comment: Criteria applied: PVS1_STR,PS4_MOD,PM2

Victorian Clinical Genetics Services, Murdoch Childrens Research Institute
Classification: Pathogenic for Obesity due to melanocortin 4 receptor deficiency. Last evaluated: 2025-03-04. Review status: criteria provided, single submitter. Criteria: ACMG Guidelines, 2015. Collection method: clinical testing. Allele origin: germline. Affected: yes.
Comment: This variant is classified as Pathogenic. Evidence in support of pathogenic classification: Variant is predicted to result in a truncated protein (premature termination codon is NOT located at least 54 nucleotides upstream of the final exon-exon junction) with at least 1/3 of the protein sequence affected; Variant is absent from gnomAD (v2, v3 and v4); This variant has limited previous evidence of pathogenicity in unrelated individual(s). This variant has been classified once as likely pathogenic and once as pathogenic by clinical laboratories (ClinVar); Other truncating variant(s) comparable to the one identified in this case have very strong previous evidence for pathogenicity (DECIPHER). Additional information: This variant is homozygous; This gene is associated with both recessive and dominant disease. Inheritance is predominantly dominant, and individuals with recessive disease have a higher mean percentage body fat than those with dominant disease (OMIM); Variant is expected to truncate the annotated 7 transmembrane receptor domain (DECIPHER); Loss of function and gain of function are known mechanisms of disease in this gene. Loss of function is associated with obesity (BMIQ20; MIM#618406), while gain of function is associated with obesity, resistance to (BMIQ20; MIM#618406) (PMID: 31002796); The condition associated with this gene has incomplete penetrance. Variants associated with obesity (BMIQ20; MIM#618406) are known to have variable penetrance (PMID: 29970488).

Labcorp Genetics (formerly Invitae), Labcorp
Classification: Pathogenic. Last evaluated: 2023-11-06. Review status: criteria provided, single submitter. Criteria: Invitae Variant Classification Sherloc (09022015). Collection method: clinical testing. Allele origin: germline.
Comment: This sequence change creates a premature translational stop signal (p.Leu140Cysfs*22) in the MC4R gene. While this is not anticipated to result in nonsense mediated decay, it is expected to disrupt the last 193 amino acid(s) of the MC4R protein. This variant is not present in population databases (gnomAD no frequency). This variant has not been reported in the literature in individuals affected with MC4R-related conditions. ClinVar contains an entry for this variant (Variation ID: 1060589). This variant disrupts a region of the MC4R protein in which other variant(s) (p.Ile301Thr) have been determined to be pathogenic (PMID: 10903341, 12690102, 16507637, 16752916, 18559663). This suggests that this is a clinically significant region of the protein, and that variants that disrupt it are likely to be disease-causing. For these reasons, this variant has been classified as Pathogenic.

PreventionGenetics, part of Exact Sciences
Classification: Likely pathogenic for MC4R-related condition. Last evaluated: 2023-03-02. Review status: criteria provided, single submitter. Criteria: ACMG Guidelines, 2015. Collection method: clinical testing. Allele origin: germline.
Comment: The MC4R c.418delC variant is predicted to result in a frameshift and premature protein termination (p.Leu140Cysfs*22). To our knowledge, this variant has not been reported in the literature or in a large population database, indicating this variant is rare. Frameshift variants in MC4R are expected to be pathogenic. This variant is interpreted as likely pathogenic.

Literature cited by the submitters: PubMed 29970488 (cited by Victorian Clinical Genetics Services, Murdoch Childrens Research Institute); PubMed 31002796 (cited by Victorian Clinical Genetics Services, Murdoch Childrens Research Institute); PubMed 10903341 (cited by Labcorp Genetics (formerly Invitae), Labcorp); PubMed 12690102 (cited by Labcorp Genetics (formerly Invitae), Labcorp); PubMed 16507637 (cited by Labcorp Genetics (formerly Invitae), Labcorp); PubMed 16752916 (cited by Labcorp Genetics (formerly Invitae), Labcorp); PubMed 18559663 (cited by Labcorp Genetics (formerly Invitae), Labcorp).

NM_005912.3(MC4R):c.418del (p.Leu140fs)

Gene: MC4R (melanocortin 4 receptor; minus strand). Cytogenetic location: 18q21.32.
Variant type: Deletion.
Coding change: c.418del on transcript NM_005912.3 (MANE Select); coding-DNA position 418, one base deleted (C; older notation c.418delC).
Protein change: p.Leu140fs; shifts the reading frame from leucine 140.
Molecular consequence: frameshift variant.
Genome position (GRCh38, 1-based): chr18:60,371,932, G deleted on the plus strand (C on the coding strand, the reverse complement: MC4R is on the minus strand); the first of 2 consecutive G bases (chr18:60,371,932-60,371,933); deleting either gives the same sequence. VCF-style (leftmost placement, unchanged base first): chr18-60371931-AG-A. GRCh37 (hg19) VCF-style: chr18-58039164-AG-A.
Other names: c.418delC (NM_005912.2); short protein forms L140fs.
Identifiers: ClinVar variation 1060589 (VCV001060589.10), dbSNP rs2143966828, ClinGen allele CA2499225244.